The following is an entry in ClinVar:

NM_033453.4(ITPA):c.151G>A (p.Glu51Lys)

Gene: ITPA (inosine triphosphatase; plus strand). Cytogenetic location: 20p13.
Variant type: single nucleotide variant.
Coding change: c.151G>A on transcript NM_033453.4 (MANE Select); coding-DNA position 151, G replaced by A.
Protein change: p.Glu51Lys; replaces glutamic acid 51 with lysine.
Molecular consequence: missense variant. On other transcripts: 5 prime UTR variant (4), intron variant (1).
Genome position (GRCh38, 1-based): chr20:3,213,345, G>A. VCF-style: chr20-3213345-G-A. GRCh37 (hg19) VCF-style: chr20-3193991-G-A.
Other names: c.-187G>A (NM_001324236.2, NM_001324237.2, NM_001324238.2 and 1 more transcripts); c.151G>A, p.Glu51Lys (NM_001324240.2); c.100G>A, p.Glu34Lys (NM_181493.4); c.67-640G>A (NM_001267623.2); short protein forms E34K, E51K.
Identifiers: ClinVar variation 1400635 (VCV001400635.3), dbSNP rs746662660, ClinGen allele CA9741184.

ClinVar aggregate classification (germline): Uncertain significance (1 of 4 stars; one submission).

Conditions:
Inosine triphosphatase deficiency. Also called: INOSINE TRIPHOSPHATE PYROPHOSPHOHYDROLASE DEFICIENCY. Identifiers: MedGen C0342800, MONDO:0013461, OMIM 613850.

Allele frequency attached by ClinVar (database versions not stated): TOPMed below 0.00001; gnomAD 0.00001; gnomAD exomes 0.00001 and 0.00003; ExAC 0.00004.
gnomAD v4.1: 22 of 1,614,048 alleles (0.0014%); highest among the groups gnomAD compares: South Asian, 0.024%; no homozygotes.

Submission:

Labcorp Genetics (formerly Invitae), Labcorp
Classification: Uncertain significance for Inosine triphosphatase deficiency. Last evaluated: 2022-01-27. Review status: criteria provided, single submitter. Criteria: Invitae Variant Classification Sherloc (09022015). Collection method: clinical testing. Allele origin: germline.
Comment: This sequence change replaces glutamic acid, which is acidic and polar, with lysine, which is basic and polar, at codon 51 of the ITPA protein (p.Glu51Lys). This variant is present in population databases (rs746662660, gnomAD 0.03%). This variant has not been reported in the literature in individuals affected with ITPA-related conditions. Algorithms developed to predict the effect of missense changes on protein structure and function (SIFT, PolyPhen-2, Align-GVGD) all suggest that this variant is likely to be tolerated. In summary, the available evidence is currently insufficient to determine the role of this variant in disease. Therefore, it has been classified as a Variant of Uncertain Significance.